The following is an entry in ClinVar:

NM_001291303.3(FAT4):c.3458G>C (p.Gly1153Ala)

Gene: FAT4 (FAT atypical cadherin 4; plus strand). Cytogenetic location: 4q28.1.
Variant type: single nucleotide variant.
Coding change: c.3458G>C on transcript NM_001291303.3 (MANE Select); coding-DNA position 3458, G replaced by C.
Protein change: p.Gly1153Ala; replaces glycine 1153 with alanine.
Molecular consequence: missense variant.
Genome position (GRCh38, 1-based): chr4:125,319,869, G>C. VCF-style: chr4-125319869-G-C. GRCh37 (hg19) VCF-style: chr4-126241024-G-C.
Other names: c.3458G>C, p.Gly1153Ala (NM_001291285.3, NM_024582.6); short protein forms G1153A.
Identifiers: ClinVar variation 1354038 (VCV001354038.6), dbSNP rs2125943347, ClinGen allele CA358124030.

ClinVar aggregate classification (germline): Uncertain significance (1 of 4 stars; one submission).

Submission:

Labcorp Genetics (formerly Invitae), Labcorp
Classification: Uncertain significance. Last evaluated: 2022-12-16. Review status: criteria provided, single submitter. Criteria: Invitae Variant Classification Sherloc (09022015). Collection method: clinical testing. Allele origin: germline.
Comment: In summary, the available evidence is currently insufficient to determine the role of this variant in disease. Therefore, it has been classified as a Variant of Uncertain Significance. Advanced modeling of protein sequence and biophysical properties (such as structural, functional, and spatial information, amino acid conservation, physicochemical variation, residue mobility, and thermodynamic stability) performed at Invitae indicates that this missense variant is not expected to disrupt FAT4 protein function. ClinVar contains an entry for this variant (Variation ID: 1354038). This variant has not been reported in the literature in individuals affected with FAT4-related conditions. This variant is not present in population databases (gnomAD no frequency). This sequence change replaces glycine, which is neutral and non-polar, with alanine, which is neutral and non-polar, at codon 1153 of the FAT4 protein (p.Gly1153Ala).